The following is an entry in ClinVar:

NM_004035.7(ACOX1):c.722A>G (p.Lys241Arg)

Gene: ACOX1 (acyl-CoA oxidase 1; minus strand). Cytogenetic location: 17q25.1.
Variant type: single nucleotide variant.
Coding change: c.722A>G on transcript NM_004035.7 (MANE Select); coding-DNA position 722, A replaced by G.
Protein change: p.Lys241Arg; replaces lysine 241 with arginine.
Molecular consequence: missense variant.
Genome position (GRCh38, 1-based): chr17:75,955,618, T>C on the plus strand (A>G on the coding strand, the complement: ACOX1 is on the minus strand). VCF-style: chr17-75955618-T-C. GRCh37 (hg19) VCF-style: chr17-73951699-T-C.
Other names: c.608A>G, p.Lys203Arg (NM_001185039.2); c.722A>G, p.Lys241Arg (NM_007292.6); short protein forms K241R, K203R.
Identifiers: ClinVar variation 559098 (VCV000559098.16), dbSNP rs756260598, ClinGen allele CA8776939.

ClinVar aggregate classification (germline): Uncertain significance. Review status: criteria provided, multiple submitters, no conflicts (2 of 4 stars). 10 submissions from 10 submitters: Uncertain significance (9). 1 of the submissions does not count toward it. Last evaluated 2026-08-06.

Conditions:
ACOX1-related disorder. Also called: ACOX1-related condition; ACOX1-related disorders.
Inborn genetic diseases. Identifiers: MedGen C0950123, MeSH D030342.
Mitchell syndrome. Identifiers: Orphanet 631248, MedGen C5394554, MONDO:0030073, OMIM 618960.
Acyl-CoA oxidase deficiency. Also called: STRAIGHT-CHAIN ACYL-CoA OXIDASE DEFICIENCY; Pseudoneonatal adrenoleukodystrophy; Peroxisomal acyl-CoA oxidase deficiency. Identifiers: Orphanet 2971, MedGen C1849678, MONDO:0009919, OMIM 264470. Disease mechanism: loss of function.

Allele frequency attached by ClinVar (database versions not stated): gnomAD exomes 0.00009 and 0.00018; ExAC 0.00011; gnomAD 0.00011 and 0.00013; TOPMed 0.00011.
gnomAD v4.1: 161 of 1,614,124 alleles (0.01%); highest among the groups gnomAD compares: Middle Eastern, 0.13%; no homozygotes.

Submissions (10):

OLLIN Analises Genomicas, OLLIN
Classification: Uncertain significance. Last evaluated: 2026-08-06. Review status: criteria provided, single submitter. Criteria: ACMG Guidelines 2015 PMID 25741868. Collection method: clinical testing. Allele origin: germline.
Comment: This missense variant, located in exon 6 (of 14), has been reported in ClinVar (accession VCV000559098.13) and in gnomAD with an allele frequency of 0.01%. However, to our knowledge, it has not been reported in the scientific literature. In silico analysis is inconclusive regarding the impact of this variant. According to the currently available evidence, this variant has been classified as uncertain significance (PM2_P).

CeGaT Center for Human Genetics Tuebingen
Classification: Uncertain significance. Last evaluated: 2026-08-01. Review status: criteria provided, single submitter. Criteria: CeGaT Center For Human Genetics Tuebingen Variant Classification Criteria Version 2. Collection method: clinical testing. Allele origin: germline. Affected: yes. Observed: 1 variant allele.

PreventionGenetics, part of Exact Sciences
Classification: Uncertain significance for ACOX1-related condition. Last evaluated: 2026-03-12. Review status: criteria provided, single submitter. Criteria: ACMG Guidelines, 2015. Collection method: clinical testing. Allele origin: germline.
Comment: The ACOX1 c.722A>G variant is predicted to result in the amino acid substitution p.Lys241Arg. To our knowledge, this variant has not been reported in the literature. This variant is reported in 0.064% of alleles in individuals of Latino descent in gnomAD. Although we suspect that this variant may be benign, at this time, the clinical significance of this variant is uncertain due to the absence of conclusive functional and genetic evidence.

Labcorp Genetics (formerly Invitae), Labcorp
Classification: Uncertain significance for Acyl-CoA oxidase deficiency. Last evaluated: 2026-01-25. Review status: criteria provided, single submitter. Criteria: Invitae Variant Classification Sherloc (09022015). Collection method: clinical testing. Allele origin: germline.
Comment: This sequence change replaces lysine, which is basic and polar, with arginine, which is basic and polar, at codon 241 of the ACOX1 protein (p.Lys241Arg). This variant is present in population databases (rs756260598, gnomAD 0.07%). This variant has not been reported in the literature in individuals affected with ACOX1-related conditions. ClinVar contains an entry for this variant (Variation ID: 559098). Invitae Evidence Modeling of protein sequence and biophysical properties (such as structural, functional, and spatial information, amino acid conservation, physicochemical variation, residue mobility, and thermodynamic stability) indicates that this missense variant is not expected to disrupt ACOX1 protein function with a negative predictive value of 80%. In summary, the available evidence is currently insufficient to determine the role of this variant in disease. Therefore, it has been classified as a Variant of Uncertain Significance.

Blueprint Genetics
Classification: Uncertain significance. Last evaluated: 2024-11-14. Review status: criteria provided, single submitter. Criteria: ACMG Guidelines, 2015. Collection method: clinical testing. Allele origin: germline.

Fulgent Genetics
Classification: Uncertain significance for Acyl-CoA oxidase deficiency; Mitchell syndrome. Last evaluated: 2022-01-11. Review status: criteria provided, single submitter. Criteria: ACMG Guidelines, 2015. Collection method: clinical testing. Allele origin: unknown.

Ambry Genetics
Classification: Uncertain significance for Inborn genetic diseases. Last evaluated: 2021-12-14. Review status: criteria provided, single submitter. Criteria: Ambry Variant Classification Scheme 2023. Collection method: clinical testing. Allele origin: germline.

GeneDx
Classification: Uncertain significance. Last evaluated: 2019-10-22. Review status: criteria provided, single submitter. Criteria: GeneDx Variant Classification Process June 2021. Collection method: clinical testing. Allele origin: germline. Affected: yes.
Comment: In silico analysis, which includes protein predictors and evolutionary conservation, supports that this variant does not alter protein structure/function; Has not been previously published as pathogenic or benign to our knowledge

Breakthrough Genomics
Classification: Uncertain significance. Review status: criteria provided, single submitter. Criteria: ACMG Guidelines, 2015. Collection method: not provided. Allele origin: germline. Inheritance: Autosomal recessive inheritance. Affected: yes.

Mayo Clinic Laboratories, Mayo Clinic
Classification: Uncertain significance. Last evaluated: 2017-04-24. Review status: no assertion criteria provided. Collection method: clinical testing. Allele origin: unknown. Not counted in ClinVar's aggregate classification.